The following is an entry in ClinVar:

ClinVar aggregate classification (germline): Uncertain significance. Review status: criteria provided, multiple submitters, no conflicts (2 of 4 stars). 6 submissions from 6 submitters: Uncertain significance (5). 1 of the submissions does not count toward it. Last evaluated 2023-08-03.

Conditions:
CFTR-related disorder (CFTR-RD). Also called: CFTR-related disorders; CFTR-related condition. Identifiers: MedGen C5924204, MONDO:7770004.
Cystic fibrosis (CF). Also called: MUCOVISCIDOSIS. Identifiers: Orphanet 586, MedGen C0010674, MONDO:0009061, OMIM 219700. Disease mechanism: loss of function.

gnomAD v4.1: 22 of 1,611,736 alleles (0.0014%); highest among the groups gnomAD compares: Non-Finnish European, 0.0016%; no homozygotes.

Submissions (6):

PreventionGenetics, part of Exact Sciences
Classification: Uncertain significance for CFTR-related condition. Last evaluated: 2023-08-03. Review status: criteria provided, single submitter. Criteria: ACMG Guidelines, 2015. Collection method: clinical testing. Allele origin: germline.
Comment: The CFTR c.1495C>T variant is predicted to result in the amino acid substitution p.Pro499Ser. The variant has been reported heterozygous in an infertile patient undergoing CFTR mutation screening (Chamayou et al. 2020. PubMed ID: 32357917). This variant is reported in 0.00088% of alleles in individuals of European (Non-Finnish) descent in gnomAD. At this time, the clinical significance of this variant is uncertain due to the absence of conclusive functional and genetic evidence.

Labcorp Genetics (formerly Invitae), Labcorp
Classification: Uncertain significance for Cystic fibrosis. Last evaluated: 2022-09-12. Review status: criteria provided, single submitter. Criteria: Invitae Variant Classification Sherloc (09022015). Collection method: clinical testing. Allele origin: germline.
Comment: This sequence change replaces proline, which is neutral and non-polar, with serine, which is neutral and polar, at codon 499 of the CFTR protein (p.Pro499Ser). The frequency data for this variant in the population databases is considered unreliable, as metrics indicate poor data quality at this position in the gnomAD database. This missense change has been observed in individual(s) with clinical features of CFTR-related conditions (PMID: 32357917). ClinVar contains an entry for this variant (Variation ID: 495898). Algorithms developed to predict the effect of missense changes on protein structure and function (SIFT, PolyPhen-2, Align-GVGD) all suggest that this variant is likely to be tolerated. This variant disrupts the p.Pro499 amino acid residue in CFTR. Other variant(s) that disrupt this residue have been observed in individuals with CFTR-related conditions (PMID: 9630075; Invitae), which suggests that this may be a clinically significant amino acid residue. In summary, the available evidence is currently insufficient to determine the role of this variant in disease. Therefore, it has been classified as a Variant of Uncertain Significance.

Genome-Nilou Lab
Classification: Uncertain significance for Cystic fibrosis. Last evaluated: 2021-09-05. Review status: criteria provided, single submitter. Criteria: ACMG Guidelines, 2015. Collection method: clinical testing. Allele origin: germline. Affected: no.

Ambry Genetics
Classification: Uncertain significance for Cystic fibrosis. Last evaluated: 2020-02-10. Review status: criteria provided, single submitter. Criteria: Ambry Variant Classification Scheme 2023. Collection method: clinical testing. Allele origin: germline.
Comment: The p.P499S variant (also known as c.1495C>T), located in coding exon 11 of the CFTR gene, results from a C to T substitution at nucleotide position 1495. The proline at codon 499 is replaced by serine, an amino acid with similar properties. This amino acid position is highly conserved in available vertebrate species. In addition, this alteration is predicted to be deleterious by in silico analysis. Since supporting evidence is limited at this time, the clinical significance of this alteration remains unclear.

Women's Health and Genetics/Laboratory Corporation of America, LabCorp
Classification: Uncertain significance. Last evaluated: 2016-11-16. Review status: criteria provided, single submitter. Criteria: LabCorp Variant Classification Summary - May 2015. Collection method: clinical testing. Allele origin: germline.
Comment: Variant summary: The CFTR c.1495C>T (p.Pro499Ser) variant involves the alteration of a conserved nucleotide. 4/5 in silico tools predict a damaging outcome for this variant. 4/5 splice prediction tools predict no significant impact on normal splicing. ESE finder predicts that this variant may affect multiple ESE sites. However, these predictions have yet to be confirmed by functional studies. This variant is absent in 121330 control chromosomes. The variant of interest has not, to our knowledge, been reported in affected individuals via publications and/or reputable databases/clinical diagnostic laboratories; nor evaluated for functional impact by in vivo/vitro studies. Because of the absence of clinical information and the lack of functional studies, the variant is classified as a variant of uncertain significance (VUS) until additional information becomes available.

Natera, Inc.
Classification: Uncertain significance for Cystic Fibrosis. Last evaluated: 2020-09-16. Review status: no assertion criteria provided. Collection method: clinical testing. Allele origin: germline. Not counted in ClinVar's aggregate classification.

Literature cited by the submitters: PubMed 32357917 (cited by Labcorp Genetics (formerly Invitae), Labcorp); PubMed 9630075 (cited by Labcorp Genetics (formerly Invitae), Labcorp).

NM_000492.4(CFTR):c.1495C>T (p.Pro499Ser)

Genes: CFTR-AS1 (CFTR antisense RNA 1; minus strand), CFTR (CF transmembrane conductance regulator; plus strand). Cytogenetic location: 7q31.2.
Variant type: single nucleotide variant.
Coding change: c.1495C>T on transcript NM_000492.4 (MANE Select); coding-DNA position 1495, C replaced by T.
Protein change: p.Pro499Ser; replaces proline 499 with serine.
Molecular consequence: missense variant.
Genome position (GRCh38, 1-based): chr7:117,559,566, C>T. VCF-style: chr7-117559566-C-T. GRCh37 (hg19) VCF-style: chr7-117199620-C-T.
Other names: short protein forms P499S.
Identifiers: ClinVar variation 495898 (VCV000495898.12), dbSNP rs397508219, ClinGen allele CA368984606.
Genomic context (GRCh38, chr7:117,559,566, plus strand): 5'-GAGGGTAAAATTAAGCACAGTGGAAGAATTTCATTCTGTTCTCAGTTTTCCTGGATTATG[C>T]CTGGCACCATTAAAGAAAATATCATCTTTGGTGTTTCCTATGATGAATATAGATACAGAA-3'
Protein context (NP_000483.3, residues 489-509): SFCSQFSWIM[Pro499Ser]GTIKENIIFG